The following is an entry in ClinVar:

ClinVar aggregate classification (germline): Uncertain significance (1 of 4 stars; one submission).

Conditions:
Dilated cardiomyopathy 1HH (CMD1HH). Identifiers: Orphanet 154, MedGen C3151293, MONDO:0013479, OMIM 613881.
Myofibrillar myopathy 6. Identifiers: Orphanet 199340, MedGen C2751831, MONDO:0013061, OMIM 612954.

Submission:

Labcorp Genetics (formerly Invitae), Labcorp
Classification: Uncertain significance for Dilated cardiomyopathy 1HH; Myofibrillar myopathy 6. Last evaluated: 2022-05-28. Review status: criteria provided, single submitter. Criteria: Invitae Variant Classification Sherloc (09022015). Collection method: clinical testing. Allele origin: germline.
Comment: This sequence change replaces serine, which is neutral and polar, with asparagine, which is neutral and polar, at codon 181 of the BAG3 protein (p.Ser181Asn). Information on the frequency of this variant in the gnomAD database is not available, as this variant may be reported differently in the database. This variant has not been reported in the literature in individuals affected with BAG3-related conditions. Algorithms developed to predict the effect of missense changes on protein structure and function are either unavailable or do not agree on the potential impact of this missense change (SIFT: "Not Available"; PolyPhen-2: "Probably Damaging"; Align-GVGD: "Not Available"). In summary, the available evidence is currently insufficient to determine the role of this variant in disease. Therefore, it has been classified as a Variant of Uncertain Significance.

NM_004281.4(BAG3):c.541_542delinsAA (p.Ser181Asn)

Gene: BAG3 (BAG cochaperone 3; plus strand). Cytogenetic location: 10q26.11.
Variant type: Indel.
Coding change: c.541_542delinsAA on transcript NM_004281.4 (MANE Select); coding-DNA positions 541 to 542, TC replaced by AA.
Protein change: p.Ser181Asn; replaces serine 181 with asparagine.
Molecular consequence: missense variant.
Genome position (GRCh38, 1-based): chr10:119,672,288-119,672,289, TC replaced by AA. VCF-style: chr10-119672288-TC-AA. GRCh37 (hg19) VCF-style: chr10-121431800-TC-AA.
Other names: short protein forms S181N.
Identifiers: ClinVar variation 2000097 (VCV002000097.4), dbSNP rs2494013458, ClinGen allele CA2580082420.
Genomic context (GRCh38, chr10:119,672,288, plus strand): 5'-ATGCCCTCTACCCTGTGTCTCTTGCAGCGGTCCCAGTCTCCAGCTGCCTCTGACTGCTCA[TC>AA]CTCATCCTCCTCGGCCAGCCTGCCTTCCTCCGGCAGGAGCAGCCTGGGCAGTCACCAGCT-3'
Protein context (NP_004272.2, residues 171-191): SQSPAASDCS[Ser181Asn]SSSSASLPSS